The following is an entry in ClinVar:

NM_003906.5(MCM3AP):c.1007C>T (p.Thr336Ile)

Gene: MCM3AP (minichromosome maintenance complex component 3 associated protein; minus strand). Cytogenetic location: 21q22.3.
Variant type: single nucleotide variant.
Coding change: c.1007C>T on transcript NM_003906.5 (MANE Select); coding-DNA position 1007, C replaced by T.
Protein change: p.Thr336Ile; replaces threonine 336 with isoleucine.
Molecular consequence: missense variant.
Genome position (GRCh38, 1-based): chr21:46,284,280, G>A on the plus strand (C>T on the coding strand, the complement: MCM3AP is on the minus strand). VCF-style: chr21-46284280-G-A. GRCh37 (hg19) VCF-style: chr21-47704194-G-A.
Other names: short protein forms T336I.
Identifiers: ClinVar variation 1903983 (VCV001903983.2), dbSNP rs781146440, ClinGen allele CA321980143.

ClinVar aggregate classification (germline): Uncertain significance (1 of 4 stars; one submission).

Allele frequency attached by ClinVar (database versions not stated): gnomAD 0.00002; gnomAD exomes 0.00003.
gnomAD v4.1: 48 of 1,614,046 alleles (0.003%); highest among the groups gnomAD compares: Admixed American, 0.005%; no homozygotes.

Submission:

Labcorp Genetics (formerly Invitae), Labcorp
Classification: Uncertain significance. Last evaluated: 2022-05-30. Review status: criteria provided, single submitter. Criteria: Invitae Variant Classification Sherloc (09022015). Collection method: clinical testing. Allele origin: germline.
Comment: This sequence change replaces threonine, which is neutral and polar, with isoleucine, which is neutral and non-polar, at codon 336 of the MCM3AP protein (p.Thr336Ile). This variant is present in population databases (rs781146440, gnomAD 0.0009%). This variant has not been reported in the literature in individuals affected with MCM3AP-related conditions. Algorithms developed to predict the effect of missense changes on protein structure and function are either unavailable or do not agree on the potential impact of this missense change (SIFT: "Tolerated"; PolyPhen-2: "Possibly Damaging"; Align-GVGD: "Class C0"). In summary, the available evidence is currently insufficient to determine the role of this variant in disease. Therefore, it has been classified as a Variant of Uncertain Significance.